The following is an entry in ClinVar:

ClinVar aggregate classification (germline): Uncertain significance. Review status: criteria provided, multiple submitters, no conflicts (2 of 4 stars). 2 submissions from 2 submitters: Uncertain significance (2). Last evaluated 2024-09-24.

Conditions:
Shukla-Vernon syndrome. Identifiers: MedGen C5193146, MONDO:0026727, OMIM 301029.

Allele frequency attached by ClinVar (database versions not stated): ExAC 0.00001; ESP Exome Variant Server 0.00009.
gnomAD v4.1: 6 of 1,198,197 alleles (0.0005%); highest among the groups gnomAD compares: Non-Finnish European, 0.00056%; no homozygotes.

Submissions (2):

Foundation for Research in Genetics and Endocrinology, FRIGE's Institute of Human Genetics
Classification: Uncertain significance for Shukla-Vernon syndrome. Last evaluated: 2024-09-24. Review status: criteria provided, single submitter. Criteria: ACMG Guidelines, 2015. Collection method: clinical testing. Allele origin: germline. Inheritance: X-linked recessive inheritance. Affected: yes. Observed: 1 hemizygote.
Comment: A hemizygous missense variant in exon 7 of the BCORL1 gene that results in the amino acid substitution of Glutamine for Arginine at codon 1334 was detected. The observed variant has not been reported in the 1000 genomes, gnomAD (v3.1), gnomAD (v2.1) and topmed databases and has a minor allele frequency of 0.001% in our internal database. The in-silico predictions# of the variant are probably damaging by PolyPhen-2 and damaging by SIFT. The reference codon is conserved across species. In summary, the variant meets our criteria to be classified as variant of uncertain significance.

GeneDx
Classification: Uncertain significance. Last evaluated: 2020-08-14. Review status: criteria provided, single submitter. Criteria: GeneDx Variant Classification Process June 2021. Collection method: clinical testing. Allele origin: germline. Affected: yes.
Comment: Not observed at a significant frequency in large population cohorts (Lek et al., 2016); In silico analysis, which includes protein predictors and evolutionary conservation, supports that this variant does not alter protein structure/function; Has not been previously published as pathogenic or benign to our knowledge

NM_001379451.1(BCORL1):c.4001G>A (p.Arg1334Gln)

Gene: BCORL1 (BCL6 corepressor like 1; plus strand). Cytogenetic location: Xq26.1.
Variant type: single nucleotide variant.
Coding change: c.4001G>A on transcript NM_001379451.1 (MANE Select); coding-DNA position 4001, G replaced by A.
Protein change: p.Arg1334Gln; replaces arginine 1334 with glutamine.
Molecular consequence: missense variant.
Genome position (GRCh38, 1-based): chrX:130,025,302, G>A. VCF-style: chrX-130025302-G-A. GRCh37 (hg19) VCF-style: chrX-129159277-G-A.
Other names: p.Arg1334Gln; c.4001G>A, p.Arg1334Gln (NM_001184772.3, NM_001379450.1, NM_021946.5); short protein forms R1334Q.
Identifiers: ClinVar variation 1309412 (VCV001309412.4), dbSNP rs143797443, ClinGen allele CA10514608.